The following is an entry in ClinVar:

ClinVar aggregate classification (germline): Uncertain significance. Review status: criteria provided, single submitter (1 of 4 stars). 2 submissions from 2 submitters: Uncertain significance (1). 1 of the submissions does not count toward it. Last evaluated 2021-06-02.

Conditions:
Glucose-6-phosphate transport defect (GSD1B). Also called: Glycogen Storage Disease Type Ib; GSD Ib. Identifiers: Orphanet 364, Orphanet 79259, MedGen C0268146, MONDO:0009288, OMIM 232220.

Allele frequency attached by ClinVar (database versions not stated): gnomAD exomes below 0.00001.

Submissions (2):

Labcorp Genetics (formerly Invitae), Labcorp
Classification: Uncertain significance for Glucose-6-phosphate transport defect. Last evaluated: 2021-06-02. Review status: criteria provided, single submitter. Criteria: Invitae Variant Classification Sherloc (09022015). Collection method: clinical testing. Allele origin: germline.
Comment: This sequence change replaces alanine with threonine at codon 174 of the SLC37A4 protein (p.Ala174Thr). The alanine residue is moderately conserved and there is a small physicochemical difference between alanine and threonine. This variant is not present in population databases (ExAC no frequency). This variant has not been reported in the literature in individuals with SLC37A4-related conditions. ClinVar contains an entry for this variant (Variation ID: 558516). Experimental studies and prediction algorithms are not available or were not evaluated, and the functional significance of this variant is currently unknown. In summary, the available evidence is currently insufficient to determine the role of this variant in disease. Therefore, it has been classified as a Variant of Uncertain Significance.

Counsyl
Classification: Uncertain significance for Glucose-6-phosphate transport defect. Last evaluated: 2018-05-24. Review status: no assertion criteria provided. Collection method: clinical testing. Allele origin: unknown. Not counted in ClinVar's aggregate classification.

NM_001164277.2(SLC37A4):c.520G>A (p.Ala174Thr)

Gene: SLC37A4 (solute carrier family 37 member 4; minus strand). Cytogenetic location: 11q23.3.
Variant type: single nucleotide variant.
Coding change: c.520G>A on transcript NM_001164277.2 (MANE Select); coding-DNA position 520, G replaced by A.
Protein change: p.Ala174Thr; replaces alanine 174 with threonine.
Molecular consequence: missense variant.
Genome position (GRCh38, 1-based): chr11:119,027,734, C>T on the plus strand (G>A on the coding strand, the complement: SLC37A4 is on the minus strand). VCF-style: chr11-119027734-C-T. GRCh37 (hg19) VCF-style: chr11-118898444-C-T.
Other names: c.301G>A, p.Ala101Thr (NM_001164279.2); c.520G>A, p.Ala174Thr (NM_001164280.2, NM_001164278.2, NM_001467.6); short protein forms A174T, A101T.
Identifiers: ClinVar variation 558516 (VCV000558516.4), dbSNP rs1432294427, ClinGen allele CA382902617.
Genomic context (GRCh38, chr11:119,027,734, plus strand): 5'-ATCAGCAGGTTCATTGTGGATGAGCAGGAGACAGAGGAAGGAGACAACCACACCACAGTG[C>T]CCCAGATAGGGCCAGCGTGCTGCGCCAGCTGTAGCTCTGGGCAAGGATGGTTGCCAGGAT-3'
Protein context (NP_001157749.1, residues 164-184): SWRSTLALSG[Ala174Thr]LCVVVSFLCL